The following is an entry in ClinVar:

ClinVar aggregate classification (germline): Pathogenic (1 of 4 stars; one submission).

Conditions:
Imerslund-Grasbeck syndrome. Also called: Megaloblastic anemia due to inborn errors of metabolism; Imerslund-Gräsbeck syndrome; ENTEROCYTE COBALAMIN MALABSORPTION; ENTEROCYTE INTRINSIC FACTOR RECEPTOR, DEFECT OF; PERNICIOUS ANEMIA, JUVENILE, DUE TO SELECTIVE INTESTINAL MALABSORPTION OF VITAMIN B12, WITH PROTEINURIA. Identifiers: Orphanet 35858, MedGen C4551825, MONDO:0009853.

Submission:

Labcorp Genetics (formerly Invitae), Labcorp
Classification: Pathogenic for Imerslund-Grasbeck syndrome. Last evaluated: 2025-11-15. Review status: criteria provided, single submitter. Criteria: Invitae Variant Classification Sherloc (09022015). Collection method: clinical testing. Allele origin: germline.
Comment: This sequence change creates a premature translational stop signal (p.Glu3538Valfs*24) in the CUBN gene. It is expected to result in an absent or disrupted protein product. Loss-of-function variants in CUBN are known to be pathogenic (PMID: 15024727, 22929189, 25349199, 31613795, 34979989). This variant is not present in population databases (gnomAD no frequency). This variant has not been reported in the literature in individuals affected with CUBN-related conditions. Experimental studies and prediction algorithms are not available or were not evaluated, and the functional significance of this variant is currently unknown. For these reasons, this variant has been classified as Pathogenic.

Literature cited by the submitters: PubMed 15024727; PubMed 22929189; PubMed 25349199; PubMed 31613795; PubMed 34979989.

NM_001081.4(CUBN):c.10606_10612dup (p.Glu3538fs)

Gene: CUBN (cubilin; minus strand). Cytogenetic location: 10p13.
Variant type: Duplication.
Coding change: c.10606_10612dup on transcript NM_001081.4 (MANE Select); coding-DNA positions 10606 to 10612, 7 bases duplicated (TACTGCG; older notation c.10606_10612dupTACTGCG).
Protein change: p.Glu3538fs; shifts the reading frame from glutamic acid 3538.
Molecular consequence: frameshift variant.
Genome position (GRCh38, 1-based): chr10:16,828,957-16,828,963, CGCAGTA duplicated on the plus strand (TACTGCG on the coding strand, the reverse complement: CUBN is on the minus strand); duplicating any 7 consecutive bases within chr10:16,828,957-16,828,965 gives the same sequence; the c. name uses the placement nearest the transcript's 3' end. VCF-style (leftmost placement, unchanged base first): chr10-16828956-T-TCGCAGTA. GRCh37 (hg19) VCF-style: chr10-16870955-T-TCGCAGTA.
Other names: short protein forms E3538fs.
Identifiers: ClinVar variation 4729254 (VCV004729254.1).
Genomic context (GRCh38, chr10:16,828,956, plus strand): 5'-ATGCTGATGAAGTAGAAGTTGATGGTGACAAGCCTTCCAGCAGGAGCAACAAGGACCCAC[T>TCGCAGTA]CGCAGTACGTGTTGTTTGGGTATGTGCCTGGATAGCCGGGGCTGGTGAATGAGCCTCTGT-3'